The following is an entry in ClinVar:

NM_032730.5(RTN4IP1):c.95G>A (p.Arg32Lys)

Gene: RTN4IP1 (reticulon 4 interacting protein 1; minus strand). Cytogenetic location: 6q21.
Variant type: single nucleotide variant.
Coding change: c.95G>A on transcript NM_032730.5 (MANE Select); coding-DNA position 95, G replaced by A.
Protein change: p.Arg32Lys; replaces arginine 32 with lysine.
Molecular consequence: missense variant. On other transcripts: intron variant (1).
Genome position (GRCh38, 1-based): chr6:106,628,927, C>T on the plus strand (G>A on the coding strand, the complement: RTN4IP1 is on the minus strand). VCF-style: chr6-106628927-C-T. GRCh37 (hg19) VCF-style: chr6-107076802-C-T.
Other names: c.-27+1400G>A (NM_001318746.1); short protein forms R32K.
Identifiers: ClinVar variation 1502075 (VCV001502075.6), dbSNP rs2114690856, ClinGen allele CA365169132.

ClinVar aggregate classification (germline): Uncertain significance (1 of 4 stars; one submission).

Submission:

Labcorp Genetics (formerly Invitae), Labcorp
Classification: Uncertain significance. Last evaluated: 2025-09-15. Review status: criteria provided, single submitter. Criteria: Invitae Variant Classification Sherloc (09022015). Collection method: clinical testing. Allele origin: germline.
Comment: This sequence change replaces arginine, which is basic and polar, with lysine, which is basic and polar, at codon 32 of the RTN4IP1 protein (p.Arg32Lys). This variant is not present in population databases (gnomAD no frequency). This variant has not been reported in the literature in individuals affected with RTN4IP1-related conditions. ClinVar contains an entry for this variant (Variation ID: 1502075). An algorithm developed to predict the effect of missense changes on protein structure and function outputs the following: PolyPhen-2: "Benign". The lysine amino acid residue is found in multiple mammalian species, which suggests that this missense change does not adversely affect protein function. In summary, the available evidence is currently insufficient to determine the role of this variant in disease. Therefore, it has been classified as a Variant of Uncertain Significance.